The following is an entry in ClinVar:

NM_002016.2(FLG):c.4425C>A (p.Asn1475Lys)

Genes: CCDST (cervical cancer associated DHX9 suppressive transcript; plus strand), FLG (filaggrin; minus strand). Cytogenetic location: 1q21.3.
Variant type: single nucleotide variant.
Coding change: c.4425C>A on transcript NM_002016.2 (MANE Select); coding-DNA position 4425, C replaced by A.
Protein change: p.Asn1475Lys; replaces asparagine 1475 with lysine.
Molecular consequence: missense variant.
Genome position (GRCh38, 1-based): chr1:152,310,461, G>T on the plus strand (C>A on the coding strand, the complement: FLG is on the minus strand). VCF-style: chr1-152310461-G-T. GRCh37 (hg19) VCF-style: chr1-152282937-G-T.
Other names: short protein forms N1475K.
Identifiers: ClinVar variation 3025094 (VCV003025094.22), dbSNP rs144605772, ClinGen allele CA1106230.

ClinVar aggregate classification (germline): Likely benign (1 of 4 stars; one submission).

Allele frequency attached by ClinVar (database versions not stated): TOPMed 0.00021; gnomAD 0.00029; gnomAD exomes 0.00032; ESP Exome Variant Server 0.00038; ExAC 0.00050.
gnomAD v4.1: 510 of 1,613,706 alleles (0.032%); highest among the groups gnomAD compares: Middle Eastern, 0.033%; 1 homozygote.

Submission:

CeGaT Center for Human Genetics Tuebingen
Classification: Likely benign. Last evaluated: 2026-03-01. Review status: criteria provided, single submitter. Criteria: CeGaT Center For Human Genetics Tuebingen Variant Classification Criteria Version 2. Collection method: clinical testing. Allele origin: germline. Affected: yes. Observed: 3 variant alleles.
Comment: FLG: BP4, BS2